The following is an entry in ClinVar:

ClinVar aggregate classification (germline): Uncertain significance (1 of 4 stars; one submission).

Conditions:
Desmin-related myofibrillar myopathy (MFM1). Also called: Desminopathy; Desmin related myopathy (former name); Desmin storage myopathy (former name); DESMIN-RELATED MYOPATHY WITH ARRHYTHMOGENIC RIGHT VENTRICULAR CARDIOMYOPATHY; MYOFIBRILLAR MYOPATHY WITH ARRHYTHMOGENIC RIGHT VENTRICULAR CARDIOMYOPATHY; Myofibrillar myopathy 1. Identifiers: Orphanet 363543, Orphanet 98909, MedGen C1832370, MONDO:0011076, OMIM 601419.

Submission:

Labcorp Genetics (formerly Invitae), Labcorp
Classification: Uncertain significance for Desmin-related myofibrillar myopathy. Last evaluated: 2021-11-14. Review status: criteria provided, single submitter. Criteria: Invitae Variant Classification Sherloc (09022015). Collection method: clinical testing. Allele origin: germline.
Comment: In summary, the available evidence is currently insufficient to determine the role of this variant in disease. Therefore, it has been classified as a Variant of Uncertain Significance. Algorithms developed to predict the effect of missense changes on protein structure and function are either unavailable or do not agree on the potential impact of this missense change (SIFT: "Tolerated"; PolyPhen-2: "Possibly Damaging"; Align-GVGD: "Class C0"). This variant has not been reported in the literature in individuals affected with DES-related conditions. This variant is not present in population databases (gnomAD no frequency). This sequence change replaces glutamic acid, which is acidic and polar, with lysine, which is basic and polar, at codon 203 of the DES protein (p.Glu203Lys).

NM_001927.4(DES):c.607G>A (p.Glu203Lys)

Gene: DES (desmin; plus strand). Cytogenetic location: 2q35.
Variant type: single nucleotide variant.
Coding change: c.607G>A on transcript NM_001927.4 (MANE Select); coding-DNA position 607, G replaced by A.
Protein change: p.Glu203Lys; replaces glutamic acid 203 with lysine.
Molecular consequence: missense variant. On other transcripts: intron variant (1).
Genome position (GRCh38, 1-based): chr2:219,420,123, G>A. VCF-style: chr2-219420123-G-A. GRCh37 (hg19) VCF-style: chr2-220284845-G-A.
Other names: c.607G>A, p.Glu203Lys (NM_001382708.1, NM_001382709.1, NM_001382710.1 and 2 more transcripts); c.496-402G>A (NM_001382713.1); short protein forms E203K.
Identifiers: ClinVar variation 1393356 (VCV001393356.6), dbSNP rs2125167376, ClinGen allele CA350689848.